The following is an entry in ClinVar:

ClinVar aggregate classification (germline): Pathogenic (1 of 4 stars; one submission).

Conditions:
Gastrointestinal stromal tumor. Also called: Gastrointestinal stromal tumor, somatic; Gastrointestinal stroma tumor. Identifiers: Orphanet 44890, MedGen C0238198, MeSH D046152, MONDO:0011719, OMIM 606764, HP:0100723.
Pheochromocytoma/paraganglioma syndrome 3. Also called: GLOMUS TUMORS, FAMILIAL, 3; Paragangliomas 3; SDHC-Related Hereditary Paraganglioma-Pheochromocytoma Syndrome (Paragangliomas 3); SDHC-Related Hereditary Paraganglioma-Pheochromocytoma Syndrome. Identifiers: Orphanet 29072, MedGen C1854336, MONDO:0011544, OMIM 605373.

Submission:

Labcorp Genetics (formerly Invitae), Labcorp
Classification: Pathogenic for Pheochromocytoma/paraganglioma syndrome 3; Gastrointestinal stromal tumor. Last evaluated: 2023-01-09. Review status: criteria provided, single submitter. Criteria: Invitae Variant Classification Sherloc (09022015). Collection method: clinical testing. Allele origin: germline.
Comment: This sequence change affects the initiator methionine of the SDHC mRNA. The next in-frame methionine is located at codon 38. For these reasons, this variant has been classified as Pathogenic. Experimental studies and prediction algorithms are not available or were not evaluated, and the functional significance of this variant is currently unknown. Disruption of the initiator codon has been observed in individuals with clinical features of SDHC-related conditions (PMID: 11062460, 19454582, 22351710; SOURCE:). It has also been observed to segregate with disease in related individuals. This variant is not present in population databases (gnomAD no frequency).

Literature cited by the submitters: PubMed 11062460; PubMed 19454582; PubMed 22351710.

NM_003001.5(SDHC):c.2T>C (p.Met1Thr)

Gene: SDHC (succinate dehydrogenase complex subunit C; plus strand). Cytogenetic location: 1q23.3.
Variant type: single nucleotide variant.
Coding change: c.2T>C on transcript NM_003001.5 (MANE Select); coding-DNA position 2, T replaced by C.
Protein change: p.Met1Thr; changes the start codon (methionine 1).
Molecular consequence: missense variant, initiator codon variant. On other transcripts: 5 prime UTR variant (2), non-coding transcript variant (1).
Genome position (GRCh38, 1-based): chr1:161,314,407, T>C. VCF-style: chr1-161314407-T-C. GRCh37 (hg19) VCF-style: chr1-161284197-T-C.
Other names: c.2T>C, p.Met1Thr (NM_001035511.3, NM_001035512.3, NM_001035513.3 and 6 more transcripts); c.-559T>C (NM_001407119.1); c.-228T>C (NM_001407120.1); short protein forms M1T.
Identifiers: ClinVar variation 2943040 (VCV002943040.3), dbSNP rs1670517782, ClinGen allele CA343354890.